The following is an entry in ClinVar:

NM_005026.5(PIK3CD):c.1435G>A (p.Ala479Thr)

Genes: PIK3CD (phosphatidylinositol-4,5-bisphosphate 3-kinase catalytic subunit delta; plus strand), LOC126805612 (MED14-independent group 3 enhancer GRCh37_chr1:9778914-9780113; plus strand). Cytogenetic location: 1p36.22.
Variant type: single nucleotide variant.
Coding change: c.1435G>A on transcript NM_005026.5 (MANE Select); coding-DNA position 1435, G replaced by A.
Protein change: p.Ala479Thr; replaces alanine 479 with threonine.
Molecular consequence: missense variant.
Genome position (GRCh38, 1-based): chr1:9,720,207, G>A. VCF-style: chr1-9720207-G-A. GRCh37 (hg19) VCF-style: chr1-9780265-G-A.
Other names: c.1435G>A, p.Ala479Thr (NM_001350234.2); c.1348G>A, p.Ala450Thr (NM_001350235.1); short protein forms A479T, A450T.
Identifiers: ClinVar variation 1032966 (VCV001032966.1), dbSNP rs1648293206, ClinGen allele CA338302862.

ClinVar aggregate classification (germline): Uncertain significance (1 of 4 stars; one submission).

Conditions:
Immunodeficiency 14 (IMD14A). Also called: ACTIVATED PI3K-DELTA SYNDROME 1; IMMUNODEFICIENCY 14A WITH LYMPHOPROLIFERATION, AUTOSOMAL DOMINANT; Activated PI3K Delta Syndrome Type 1 (APDS1); p110-DELTA-ACTIVATING MUTATION CAUSING SENESCENT T CELLS, LYMPHADENOPATHY, AND IMMUNODEFICIENCY. Identifiers: Orphanet 397596, Orphanet 693661, MedGen C5907821, MONDO:0014222, OMIM 615513.

Allele frequency attached by ClinVar (database versions not stated): gnomAD exomes below 0.00001.
gnomAD v4.1: 1 of 1,610,918 alleles (0.000062%); highest among the groups gnomAD compares: African/African-American, 0.0013%; no homozygotes.

Submission:

Baylor Genetics
Classification: Uncertain significance for Immunodeficiency 14. Last evaluated: 2018-06-29. Review status: criteria provided, single submitter. Criteria: ACMG Guidelines, 2015. Collection method: clinical testing. Allele origin: unknown. Affected: yes.
Comment: This variant was determined to be of uncertain significance according to ACMG Guidelines, 2015 [PMID:25741868].